The following is an entry in ClinVar:

ClinVar aggregate classification (germline): Conflicting classifications of pathogenicity. Review status: criteria provided, conflicting classifications (1 of 4 stars). 3 submissions from 3 submitters: Pathogenic (1); Uncertain significance (2). Last evaluated 2026-07-07.

Conditions:
Hereditary cancer-predisposing syndrome. Also called: Neoplastic Syndromes, Hereditary; Hereditary neoplastic syndrome; Hereditary Cancer Syndrome; Tumor predisposition. Identifiers: Orphanet 140162, MedGen C0027672, MeSH D009386, MONDO:0015356.
Von Hippel-Lindau syndrome (VHLS). Also called: Von Hippel-Lindau; VHL syndrome; von Hippel–Lindau syndrome. Identifiers: Orphanet 892, MedGen C0019562, MONDO:0008667, OMIM 193300. Disease mechanism: loss of function.
Chuvash polycythemia. Also called: POLYCYTHEMIA, VHL-DEPENDENT. Identifiers: Orphanet 238557, MedGen C1837915, MONDO:0009892, OMIM 263400.

Submissions (3):

Ambry Genetics
Classification: Pathogenic for Hereditary cancer-predisposing syndrome. Last evaluated: 2026-07-07. Review status: criteria provided, single submitter. Criteria: Ambry Variant Classification Scheme 2023. Collection method: clinical testing. Allele origin: germline.
Comment: The c.341-3T>G intronic variant results from a T to G substitution 3 nucleotides upstream from coding exon 2 in the VHL gene. This variant has been observed in at least one individual with a personal and/or family history that is consistent with von Hippel-Lindau syndrome; in at least one individual, it was determined to be de novo (Ambry internal data). This nucleotide position is not well conserved in available vertebrate species. In silico splice site analysis predicts that this alteration will weaken the native splice acceptor site. RNA studies have demonstrated that this alteration results in abnormal splicing in the set of samples tested (Ambry internal data). This variant is considered to be rare based on population cohorts in the Genome Aggregation Database (gnomAD). Based on the majority of available evidence to date, this variant is likely to be pathogenic.

Labcorp Genetics (formerly Invitae), Labcorp
Classification: Uncertain significance for Von Hippel-Lindau syndrome; Chuvash polycythemia. Last evaluated: 2025-07-22. Review status: criteria provided, single submitter. Criteria: Invitae Variant Classification Sherloc (09022015). Collection method: clinical testing. Allele origin: germline.
Comment: This sequence change falls in intron 1 of the VHL gene. It does not directly change the encoded amino acid sequence of the VHL protein. It affects a nucleotide within the consensus splice site. This variant is not present in population databases (gnomAD no frequency). This variant has not been reported in the literature in individuals affected with VHL-related conditions. ClinVar contains an entry for this variant (Variation ID: 428812). Variants that disrupt the consensus splice site are a relatively common cause of aberrant splicing (PMID: 17576681, 9536098). Algorithms developed to predict the effect of sequence changes on RNA splicing suggest that this variant may disrupt the consensus splice site. In summary, the available evidence is currently insufficient to determine the role of this variant in disease. Therefore, it has been classified as a Variant of Uncertain Significance.

Genomic Diagnostic Laboratory, Division of Genomic Diagnostics, Children's Hospital of Philadelphia
Classification: Uncertain significance for von Hippel-Lindau syndrome. Last evaluated: 2018-08-01. Review status: criteria provided, single submitter. Criteria: DGD Variant Analysis Guidelines. Collection method: clinical testing. Allele origin: germline. Affected: yes. Observed: 1 variant allele.

Literature cited by the submitters: PubMed 20567917 (cited by Ambry Genetics); PubMed 17576681 (cited by Labcorp Genetics (formerly Invitae), Labcorp); PubMed 9536098 (cited by Labcorp Genetics (formerly Invitae), Labcorp).

NM_000551.4(VHL):c.341-3T>G

Genes: VHL (von Hippel-Lindau tumor suppressor; plus strand), LOC107303340 (3p25 von Hippel-Lindau tumor suppressor, E3 ubiquitin protein ligase Alu-mediated recombination region; plus strand). Cytogenetic location: 3p25.3.
Variant type: single nucleotide variant.
Coding change: c.341-3T>G on transcript NM_000551.4 (MANE Select); 3 bases into the intron before coding-DNA position 341, T replaced by G.
Molecular consequence: intron variant.
Genome position (GRCh38, 1-based): chr3:10,146,511, T>G. VCF-style: chr3-10146511-T-G. GRCh37 (hg19) VCF-style: chr3-10188195-T-G.
Other names: c.*18-3276T>G (NM_001354723.2); c.341-3276T>G (NM_198156.3).
Identifiers: ClinVar variation 428812 (VCV000428812.9), dbSNP rs1131690965, ClinGen allele CA16020704.